The following is an entry in ClinVar:

NM_004752.4(GCM2):c.*521C>A

Gene: GCM2 (glial cells missing transcription factor 2; minus strand). Cytogenetic location: 6p24.2.
Variant type: single nucleotide variant.
Coding change: c.*521C>A on transcript NM_004752.4 (MANE Select); 521 bases downstream of the stop codon, C replaced by A.
Molecular consequence: 3 prime UTR variant.
Genome position (GRCh38, 1-based): chr6:10,873,474, G>T on the plus strand (C>A on the coding strand, the complement: GCM2 is on the minus strand). VCF-style: chr6-10873474-G-T. GRCh37 (hg19) VCF-style: chr6-10873707-G-T.
Other names: NC_000006.11:g.10873707G>T.
Identifiers: ClinVar variation 355003 (VCV000355003.6), dbSNP rs6936637, ClinGen allele CA10622771.

ClinVar aggregate classification (germline): Benign (1 of 4 stars; one submission).

Conditions:
Familial hypoparathyroidism. Also called: Familial isolated hypoparathyroidism. Identifiers: Orphanet 2238, MedGen C1832648, MONDO:0016390.

Allele frequency attached by ClinVar (database versions not stated): 1000 Genomes Project 0.01937; 1000 Genomes Project 30x 0.02139; TOPMed 0.02217.

Submissions (2):

Illumina Laboratory Services, Illumina
Classification: Benign for Hypoparathyroidism, familial isolated 1. Last evaluated: 2018-01-13. Review status: criteria provided, single submitter. Criteria: ICSL Variant Classification Criteria 13 December 2019. Collection method: clinical testing. Allele origin: germline.
Comment: This variant was observed in the ICSL laboratory as part of a predisposition screen in an ostensibly healthy population. It had not been previously curated by ICSL or reported in the Human Gene Mutation Database (HGMD: prior to June 1st, 2018), and was therefore a candidate for classification through an automated scoring system. Utilizing variant allele frequency, disease prevalence and penetrance estimates, and inheritance mode, an automated score was calculated to assess if this variant is too frequent to cause the disease. Based on the score and internal cut-off values, a variant classified as benign is not then subjected to further curation. The score for this variant resulted in a classification of benign for this disease.

Dr. Peter K. Rogan Lab, Western University
No classification provided (evidence only). Condition: Sarcoma. Review status: no classification provided. Collection method: in vitro. Allele origin: not applicable. Functional consequence: retained intron. Not counted in ClinVar's aggregate classification.